The following is an entry in ClinVar:

NM_014244.5(ADAMTS2):c.2959-12C>G

Gene: ADAMTS2 (ADAM metallopeptidase with thrombospondin type 1 motif 2; minus strand). Cytogenetic location: 5q35.3.
Variant type: single nucleotide variant.
Coding change: c.2959-12C>G on transcript NM_014244.5 (MANE Select); 12 bases into the intron before coding-DNA position 2959, C replaced by G.
Molecular consequence: intron variant.
Genome position (GRCh38, 1-based): chr5:179,122,785, G>C on the plus strand (C>G on the coding strand, the complement: ADAMTS2 is on the minus strand). VCF-style: chr5-179122785-G-C. GRCh37 (hg19) VCF-style: chr5-178549786-G-C.
Identifiers: ClinVar variation 1586406 (VCV001586406.9), dbSNP rs773920252, ClinGen allele CA3595345.
Genomic context (GRCh38, chr5:179,122,785, plus strand): 5'-GGCAGAGCACTGGCCGCTCCTGGGTGCCGTTGCCACAGGTTACTGAGCACTGCAGGGGGA[G>C]AGTCGCCAGGCAGGGTTCACCTCCCACACAGGGCCCGCACTGGCAGAGCTGGAGGAGCCC-3'

ClinVar aggregate classification (germline): Likely benign. Review status: criteria provided, multiple submitters, no conflicts (2 of 4 stars). 2 submissions from 2 submitters: Likely benign (2). Last evaluated 2025-12-14.

Conditions:
Ehlers-Danlos syndrome, dermatosparaxis type. Also called: Ehlers-Danlos syndrome, type VII, autosomal recessive; EDS VIIC; Dermatosparaxis. Identifiers: Orphanet 1901, MedGen C2700425, MONDO:0009161, OMIM 225410.

Allele frequency attached by ClinVar (database versions not stated): gnomAD 0.00003 and 0.00004; TOPMed 0.00003.
gnomAD v4.1: 68 of 1,553,998 alleles (0.0044%); highest among the groups gnomAD compares: Non-Finnish European, 0.0056%; no homozygotes.

Submissions (2):

Labcorp Genetics (formerly Invitae), Labcorp
Classification: Likely benign for Ehlers-Danlos syndrome, dermatosparaxis type. Last evaluated: 2025-12-14. Review status: criteria provided, single submitter. Criteria: Invitae Variant Classification Sherloc (09022015). Collection method: clinical testing. Allele origin: germline.

Women's Health and Genetics/Laboratory Corporation of America, LabCorp
Classification: Likely benign. Last evaluated: 2025-10-13. Review status: criteria provided, single submitter. Criteria: LabCorp Variant Classification Summary - May 2015. Collection method: clinical testing. Allele origin: germline.
Comment: Variant summary: ADAMTS2 c.2959-12C>G alters a non-conserved nucleotide located at a position not widely known to affect splicing. Consensus agreement among computation tools predict no significant impact on normal splicing. However, these predictions have yet to be confirmed by functional studies. The frequency data for this variant in gnomAD is considered unreliable, as metrics indicate poor data quality at this position. To our knowledge, no occurrence of c.2959-12C>G in individuals affected with ADAMTS2-related conditions and no experimental evidence demonstrating its impact on protein function have been reported. ClinVar contains an entry for this variant (Variation ID: 1586406). Based on the evidence outlined above, the variant was classified as likely benign.